The following is an entry in ClinVar:

ClinVar aggregate classification (germline): Conflicting classifications of pathogenicity. Review status: criteria provided, conflicting classifications (1 of 4 stars). 3 submissions from 3 submitters: Uncertain significance (2); Likely benign (1). Last evaluated 2026-05-21.

Allele frequency attached by ClinVar (database versions not stated): ExAC 0.00005; ESP Exome Variant Server 0.00023; gnomAD exomes 0.00002 and 0.00003; TOPMed 0.00018; gnomAD 0.00026 and 0.00023.
gnomAD v4.1: 65 of 1,614,062 alleles (0.004%); highest among the groups gnomAD compares: African/African-American, 0.079%; no homozygotes.

Submissions (3):

Women's Health and Genetics/Laboratory Corporation of America, LabCorp
Classification: Uncertain significance. Last evaluated: 2026-05-21. Review status: criteria provided, single submitter. Criteria: LabCorp Variant Classification Summary - May 2015. Collection method: clinical testing. Allele origin: germline.
Comment: Variant summary: COL11A2 c.434C>G (p.Ala145Gly) results in a non-conservative amino acid change in the encoded protein sequence. Algorithms developed to predict the effect of missense changes on protein structure and function all suggest that this variant is likely to be disruptive. The variant allele was found at a frequency of 2.8e-05 in 250986 control chromosomes. The available data on variant occurrences in the general population are insufficient to allow any conclusion about variant significance. To our knowledge, no occurrence of c.434C>G in individuals affected with COL11A2-related conditions and no experimental evidence demonstrating its impact on protein function have been reported. ClinVar contains an entry for this variant (Variation ID: 1217082). Based on the evidence outlined above, the variant was classified as uncertain significance.

Labcorp Genetics (formerly Invitae), Labcorp
Classification: Likely benign. Last evaluated: 2026-01-22. Review status: criteria provided, single submitter. Criteria: Invitae Variant Classification Sherloc (09022015). Collection method: clinical testing. Allele origin: germline.

GeneDx
Classification: Uncertain significance. Last evaluated: 2023-01-27. Review status: criteria provided, single submitter. Criteria: GeneDx Variant Classification Process June 2021. Collection method: clinical testing. Allele origin: germline. Affected: yes.
Comment: In silico analysis supports that this missense variant has a deleterious effect on protein structure/function; Has not been previously published as pathogenic or benign to our knowledge

NM_080680.3(COL11A2):c.434C>G (p.Ala145Gly)

Gene: COL11A2 (collagen type XI alpha 2 chain; minus strand). Cytogenetic location: 6p21.32.
Variant type: single nucleotide variant.
Coding change: c.434C>G on transcript NM_080680.3 (MANE Select); coding-DNA position 434, C replaced by G.
Protein change: p.Ala145Gly; replaces alanine 145 with glycine.
Molecular consequence: missense variant.
Genome position (GRCh38, 1-based): chr6:33,188,987, G>C on the plus strand (C>G on the coding strand, the complement: COL11A2 is on the minus strand). VCF-style: chr6-33188987-G-C. GRCh37 (hg19) VCF-style: chr6-33156764-G-C.
Other names: c.434C>G, p.Ala145Gly (NM_080681.3, NM_001163771.2, NM_080679.3); short protein forms A145G.
Identifiers: ClinVar variation 1217082 (VCV001217082.16), dbSNP rs138305560, ClinGen allele CA3751674.